The following is an entry in ClinVar:

NM_000143.4(FH):c.820G>C (p.Ala274Pro)

Gene: FH (fumarate hydratase; minus strand). Cytogenetic location: 1q43.
Variant type: single nucleotide variant.
Coding change: c.820G>C on transcript NM_000143.4 (MANE Select); coding-DNA position 820, G replaced by C.
Protein change: p.Ala274Pro; replaces alanine 274 with proline.
Molecular consequence: missense variant.
Genome position (GRCh38, 1-based): chr1:241,506,087, C>G on the plus strand (G>C on the coding strand, the complement: FH is on the minus strand). VCF-style: chr1-241506087-C-G. GRCh37 (hg19) VCF-style: chr1-241669387-C-G.
Other names: short protein forms A274P.
Identifiers: ClinVar variation 393573 (VCV000393573.3), dbSNP rs1060499638, ClinGen allele CA16609367.

ClinVar aggregate classification (germline): Conflicting classifications of pathogenicity. Review status: criteria provided, conflicting classifications (1 of 4 stars). 2 submissions from 2 submitters: Likely pathogenic (1); Uncertain significance (1). Last evaluated 2024-01-22.

Conditions:
Fumarase deficiency (FMRD). Also called: Fumaric aciduria; Fumarate Hydratase Deficiency. Identifiers: Orphanet 24, MedGen C0342770, MONDO:0011730, OMIM 606812.
Hereditary leiomyomatosis and renal cell cancer. Also called: LEIOMYOMA, MULTIPLE CUTANEOUS; MULTIPLE CUTANEOUS AND UTERINE LEIOMYOMATA 1, WITH OR WITHOUT RENAL CELL CARCINOMA; Reed syndrome; Multiple cutaneous and uterine leiomyomatosis; Cutaneous leiomyomata with uterine leiomyomata; Leiomyoma, hereditary multiple, of skin. Identifiers: Orphanet 523, MedGen C1708350, MONDO:0007888, OMIM 150800, HP:0007437. Disease mechanism: loss of function.

Submissions (2):

Baylor Genetics
Classification: Uncertain significance for Fumarase deficiency. Last evaluated: 2024-01-22. Review status: criteria provided, single submitter. Criteria: ACMG Guidelines, 2015. Collection method: clinical testing. Allele origin: unknown.

Genomic Diagnostic Laboratory, Division of Genomic Diagnostics, Children's Hospital of Philadelphia
Classification: Likely pathogenic for Hereditary leiomyomatosis and renal cell cancer. Last evaluated: 2017-01-17. Review status: criteria provided, single submitter. Criteria: DGD Variant Analysis Guidelines. Collection method: clinical testing. Allele origin: germline. Affected: yes. Observed: 3 variant alleles.
Comment: Clinical Testing